The following is an entry in ClinVar:

NM_000124.4(ERCC6):c.2403C>T (p.Ala801=)

Gene: ERCC6 (ERCC excision repair 6, chromatin remodeling factor; minus strand). Cytogenetic location: 10q11.23.
Variant type: single nucleotide variant.
Coding change: c.2403C>T on transcript NM_000124.4 (MANE Select); coding-DNA position 2403, C replaced by T.
Protein change: p.Ala801=; no amino-acid change (alanine 801 retained).
Molecular consequence: synonymous variant.
Genome position (GRCh38, 1-based): chr10:49,474,222, G>A on the plus strand (C>T on the coding strand, the complement: ERCC6 is on the minus strand). VCF-style: chr10-49474222-G-A. GRCh37 (hg19) VCF-style: chr10-50682268-G-A.
Other names: c.2403C>T, p.Ala801= (NM_001346440.2).
Identifiers: ClinVar variation 194152 (VCV000194152.42), dbSNP rs114896216, ClinGen allele CA200995.

ClinVar aggregate classification (germline): Benign/Likely benign. Review status: criteria provided, multiple submitters, no conflicts (2 of 4 stars). 9 submissions from 7 submitters: Benign (1); Likely benign (7). 1 of the submissions does not count toward it. Last evaluated 2026-01-14.

Conditions:
ERCC6-related disorder. Also called: ERCC6-related disorders; ERCC6-related condition. Identifiers: MedGen CN239385.
Age related macular degeneration 5. Identifiers: MedGen C3151063, MONDO:0013409, OMIM 613761.
Cockayne syndrome type 2 (CSB). Also called: COCKAYNE SYNDROME B; Cockayne Syndrome, Type II. Identifiers: Orphanet 191, Orphanet 90322, MedGen C0751038, MONDO:0019570, OMIM 133540.
Cerebrooculofacioskeletal syndrome 1 (COFS1). Also called: Cerebro-oculo-facio-skeletal syndrome 1. Identifiers: MedGen C0220722, MONDO:0008955, OMIM 214150.

Allele frequency attached by ClinVar (database versions not stated): gnomAD exomes 0.00021 and 0.00052; ExAC 0.00073; ESP Exome Variant Server 0.00208; gnomAD 0.00219 and 0.00234; TOPMed 0.00246; 1000 Genomes Project 0.00319; 1000 Genomes Project 30x 0.00390.
gnomAD v4.1: 654 of 1,613,970 alleles (0.041%); highest among the groups gnomAD compares: African/African-American, 0.8%; 3 homozygotes.

Submissions (9):

Labcorp Genetics (formerly Invitae), Labcorp
Classification: Benign. Last evaluated: 2026-01-14. Review status: criteria provided, single submitter. Criteria: Invitae Variant Classification Sherloc (09022015). Collection method: clinical testing. Allele origin: germline.

Blueprint Genetics
Classification: Likely benign. Last evaluated: 2024-09-13. Review status: criteria provided, single submitter. Criteria: ACMG Guidelines, 2015. Collection method: clinical testing. Allele origin: germline.

CeGaT Center for Human Genetics Tuebingen
Classification: Likely benign. Last evaluated: 2024-08-01. Review status: criteria provided, single submitter. Criteria: CeGaT Center For Human Genetics Tuebingen Variant Classification Criteria Version 2. Collection method: clinical testing. Allele origin: germline. Affected: yes. Observed: 1 variant allele.
Comment: ERCC6: BP4, BP7

Genetic Services Laboratory, University of Chicago
Classification: Likely benign. Last evaluated: 2021-11-19. Review status: criteria provided, single submitter. Criteria: ACMG Guidelines, 2015. Collection method: clinical testing. Allele origin: germline. Affected: no.

Illumina Laboratory Services, Illumina
Classification: Likely benign for Age related macular degeneration 5. Last evaluated: 2018-01-12. Review status: criteria provided, single submitter. Criteria: ICSL Variant Classification Criteria 13 December 2019. Collection method: clinical testing. Allele origin: germline.
Comment: This variant was observed in the ICSL laboratory as part of a predisposition screen in an ostensibly healthy population. It had not been previously curated by ICSL or reported in the Human Gene Mutation Database (HGMD: prior to June 1st, 2018), and was therefore a candidate for classification through an automated scoring system. Utilizing variant allele frequency, disease prevalence and penetrance estimates, and inheritance mode, an automated score was calculated to assess if this variant is too frequent to cause the disease. Based on the score and internal cut-off values, a variant classified as likely benign is not then subjected to further curation. The score for this variant resulted in a classification of likely benign for this disease.

Illumina Laboratory Services, Illumina
Classification: Likely benign for Cockayne syndrome type 2. Last evaluated: 2018-01-12. Review status: criteria provided, single submitter. Criteria: ICSL Variant Classification Criteria 13 December 2019. Collection method: clinical testing. Allele origin: germline.
Comment: the same text as in the submission from Illumina Laboratory Services, Illumina above.

Illumina Laboratory Services, Illumina
Classification: Likely benign for Cerebrooculofacioskeletal syndrome 1. Last evaluated: 2018-01-12. Review status: criteria provided, single submitter. Criteria: ICSL Variant Classification Criteria 13 December 2019. Collection method: clinical testing. Allele origin: germline.
Comment: the same text as in the submission from Illumina Laboratory Services, Illumina above.

Eurofins Ntd Llc (ga)
Classification: Likely benign. Last evaluated: 2015-04-14. Review status: criteria provided, single submitter. Criteria: EGL Classification Definitions 2015. Collection method: clinical testing. Allele origin: germline. Observed: 1 variant allele, 1 heterozygote.

PreventionGenetics, part of Exact Sciences
Classification: Likely benign for ERCC6-related condition. Last evaluated: 2019-06-11. Review status: no assertion criteria provided. Collection method: clinical testing. Allele origin: germline. Not counted in ClinVar's aggregate classification.
Comment: This variant is classified as likely benign based on ACMG/AMP sequence variant interpretation guidelines (Richards et al. 2015 PMID: 25741868, with internal and published modifications).